The following is an entry in ClinVar:

NM_003924.4(PHOX2B):c.592C>T (p.Pro198Ser)

Gene: PHOX2B (paired like homeobox 2B; minus strand). Cytogenetic location: 4p13.
Variant type: single nucleotide variant.
Coding change: c.592C>T on transcript NM_003924.4 (MANE Select); coding-DNA position 592, C replaced by T.
Protein change: p.Pro198Ser; replaces proline 198 with serine.
Molecular consequence: missense variant.
Genome position (GRCh38, 1-based): chr4:41,746,160, G>A on the plus strand (C>T on the coding strand, the complement: PHOX2B is on the minus strand). VCF-style: chr4-41746160-G-A. GRCh37 (hg19) VCF-style: chr4-41748177-G-A.
Other names: short protein forms P198S.
Identifiers: ClinVar variation 2005644 (VCV002005644.4), dbSNP rs2552096869, ClinGen allele CA356737845.

ClinVar aggregate classification (germline): Uncertain significance (1 of 4 stars; one submission).

Conditions:
Haddad syndrome (OHD). Also called: Ondine-Hirschsprung disease. Identifiers: Orphanet 99803, MedGen C1859049, MONDO:0020493.

Submission:

Labcorp Genetics (formerly Invitae), Labcorp
Classification: Uncertain significance for Haddad syndrome. Last evaluated: 2023-11-27. Review status: criteria provided, single submitter. Criteria: Invitae Variant Classification Sherloc (09022015). Collection method: clinical testing. Allele origin: germline.
Comment: This sequence change replaces proline, which is neutral and non-polar, with serine, which is neutral and polar, at codon 198 of the PHOX2B protein (p.Pro198Ser). This variant is not present in population databases (gnomAD no frequency). This variant has not been reported in the literature in individuals affected with PHOX2B-related conditions. ClinVar contains an entry for this variant (Variation ID: 2005644). Advanced modeling of protein sequence and biophysical properties (such as structural, functional, and spatial information, amino acid conservation, physicochemical variation, residue mobility, and thermodynamic stability) performed at Invitae indicates that this missense variant is not expected to disrupt PHOX2B protein function with a negative predictive value of 80%. In summary, the available evidence is currently insufficient to determine the role of this variant in disease. Therefore, it has been classified as a Variant of Uncertain Significance.